The following is an entry in ClinVar:

ClinVar aggregate classification (germline): Uncertain significance. Review status: criteria provided, multiple submitters, no conflicts (2 of 4 stars). 2 submissions from 2 submitters: Uncertain significance (2). Last evaluated 2022-07-15.

Conditions:
Wilms tumor 1 (WT1). Also called: Wilms tumor, somatic. Identifiers: Orphanet 654, MedGen CN033288, MONDO:0008679, OMIM 194070.

Submissions (2):

Labcorp Genetics (formerly Invitae), Labcorp
Classification: Uncertain significance for Wilms tumor 1. Last evaluated: 2022-07-15. Review status: criteria provided, single submitter. Criteria: Invitae Variant Classification Sherloc (09022015). Collection method: clinical testing. Allele origin: germline.
Comment: This sequence change replaces glutamine, which is neutral and polar, with proline, which is neutral and non-polar, at codon 335 of the GPC3 protein (p.Gln335Pro). This variant is not present in population databases (gnomAD no frequency). This variant has not been reported in the literature in individuals affected with GPC3-related conditions. ClinVar contains an entry for this variant (Variation ID: 959564). Algorithms developed to predict the effect of missense changes on protein structure and function are either unavailable or do not agree on the potential impact of this missense change (SIFT: "Tolerated"; PolyPhen-2: "Probably Damaging"; Align-GVGD: "Class C0"). In summary, the available evidence is currently insufficient to determine the role of this variant in disease. Therefore, it has been classified as a Variant of Uncertain Significance.

GeneDx
Classification: Uncertain significance. Last evaluated: 2022-05-27. Review status: criteria provided, single submitter. Criteria: GeneDx Variant Classification Process June 2021. Collection method: clinical testing. Allele origin: germline. Affected: yes.
Comment: Not observed at significant frequency in large population cohorts (gnomAD); In silico analysis supports that this missense variant has a deleterious effect on protein structure/function; Missense variant in a gene in which most reported pathogenic variants are truncating/loss of function; Has not been previously published as pathogenic or benign to our knowledge

NM_004484.4(GPC3):c.1004A>C (p.Gln335Pro)

Gene: GPC3 (glypican 3; minus strand). Cytogenetic location: Xq26.2.
Variant type: single nucleotide variant.
Coding change: c.1004A>C on transcript NM_004484.4 (MANE Select); coding-DNA position 1004, A replaced by C.
Protein change: p.Gln335Pro; replaces glutamine 335 with proline.
Molecular consequence: missense variant.
Genome position (GRCh38, 1-based): chrX:133,753,510, T>G on the plus strand (A>C on the coding strand, the complement: GPC3 is on the minus strand). VCF-style: chrX-133753510-T-G. GRCh37 (hg19) VCF-style: chrX-132887537-T-G.
Other names: c.1004A>C, p.Gln335Pro (NM_001164617.2); c.956A>C, p.Gln319Pro (NM_001164618.2); c.842A>C, p.Gln281Pro (NM_001164619.2); short protein forms Q281P, Q335P, Q319P.
Identifiers: ClinVar variation 959564 (VCV000959564.11), dbSNP rs2071687961, ClinGen allele CA414705065.
Genomic context (GRCh38, chrX:133,753,510, plus strand): 5'-AAATCCTCTGACAACTGTAGACTGGTACTCACAGTGGTGGTCAGCTTTCCTGCATTCTTC[T>G]GGACATACTGGATAGAATCATGGATTGTTGAAAAGAGACCAAGCAGTACGTTCTCCATGT-3'
Protein context (NP_004475.1, residues 325-345): STIHDSIQYV[Gln335Pro]KNAGKLTTTI